The following is an entry in ClinVar:

ClinVar aggregate classification (germline): Uncertain significance (1 of 4 stars; one submission).

gnomAD v4.1: 1 of 1,614,086 alleles (0.000062%); highest among the groups gnomAD compares: Admixed American, 0.0017%; no homozygotes.

Submission:

Labcorp Genetics (formerly Invitae), Labcorp
Classification: Uncertain significance. Last evaluated: 2024-06-04. Review status: criteria provided, single submitter. Criteria: Invitae Variant Classification Sherloc (09022015). Collection method: clinical testing. Allele origin: germline.
Comment: This sequence change replaces proline, which is neutral and non-polar, with histidine, which is basic and polar, at codon 1058 of the FN1 protein (p.Pro1058His). This variant is not present in population databases (gnomAD no frequency). This variant has not been reported in the literature in individuals affected with FN1-related conditions. Advanced modeling of protein sequence and biophysical properties (such as structural, functional, and spatial information, amino acid conservation, physicochemical variation, residue mobility, and thermodynamic stability) has been performed at Invitae for this missense variant, however the output from this modeling did not meet the statistical confidence thresholds required to predict the impact of this variant on FN1 protein function. In summary, the available evidence is currently insufficient to determine the role of this variant in disease. Therefore, it has been classified as a Variant of Uncertain Significance.

NM_212482.4(FN1):c.3173C>A (p.Pro1058His)

Gene: FN1 (fibronectin 1; minus strand). Cytogenetic location: 2q35.
Variant type: single nucleotide variant.
Coding change: c.3173C>A on transcript NM_212482.4 (MANE Select); coding-DNA position 3173, C replaced by A.
Protein change: p.Pro1058His; replaces proline 1058 with histidine.
Molecular consequence: missense variant.
Genome position (GRCh38, 1-based): chr2:215,404,469, G>T on the plus strand (C>A on the coding strand, the complement: FN1 is on the minus strand). VCF-style: chr2-215404469-G-T. GRCh37 (hg19) VCF-style: chr2-216269192-G-T.
Other names: c.3173C>A, p.Pro1058His (NM_002026.4, NM_212474.3, NM_001306129.2 and 13 more transcripts); short protein forms P1058H.
Identifiers: ClinVar variation 3691974 (VCV003691974.2).